The following is an entry in ClinVar:

ClinVar aggregate classification (germline): Pathogenic (1 of 4 stars; one submission).

Conditions:
Schneckenbecken dysplasia. Identifiers: Orphanet 3144, MedGen C0432194, MONDO:0010013, OMIM 269250.

Submission:

Labcorp Genetics (formerly Invitae), Labcorp
Classification: Pathogenic for Schneckenbecken dysplasia. Last evaluated: 2022-11-01. Review status: criteria provided, single submitter. Criteria: Invitae Variant Classification Sherloc (09022015). Collection method: clinical testing. Allele origin: germline.
Comment: For these reasons, this variant has been classified as Pathogenic. This variant has not been reported in the literature in individuals affected with SLC35D1-related conditions. This variant is not present in population databases (gnomAD no frequency). This sequence change creates a premature translational stop signal (p.Thr22Glufs*14) in the SLC35D1 gene. It is expected to result in an absent or disrupted protein product. Loss-of-function variants in SLC35D1 are known to be pathogenic (PMID: 17952091, 19508970).

Literature cited by the submitters: PubMed 17952091; PubMed 19508970.

NM_015139.3(SLC35D1):c.64_70del (p.Thr22fs)

Gene: SLC35D1 (solute carrier family 35 member D1; minus strand). Cytogenetic location: 1p31.3.
Variant type: Deletion.
Coding change: c.64_70del on transcript NM_015139.3 (MANE Select); coding-DNA positions 64 to 70, 7 bases deleted (ACACTCC; older notation c.64_70delACACTCC).
Protein change: p.Thr22fs; shifts the reading frame from threonine 22.
Molecular consequence: frameshift variant.
Genome position (GRCh38, 1-based): chr1:67,053,944-67,053,950, GGAGTGT deleted on the plus strand (ACACTCC on the coding strand, the reverse complement: SLC35D1 is on the minus strand); deleting any 7 consecutive bases within chr1:67,053,944-67,053,954 gives the same sequence; the c. name uses the placement nearest the transcript's 3' end. VCF-style (leftmost placement, unchanged base first): chr1-67053943-CGGAGTGT-C. GRCh37 (hg19) VCF-style: chr1-67519626-CGGAGTGT-C.
Other names: short protein forms T22fs.
Identifiers: ClinVar variation 2005679 (VCV002005679.4), dbSNP rs2524822421, ClinGen allele CA2580063186.